The following is an entry in ClinVar:

NM_001130438.3(SPTAN1):c.2402G>A (p.Arg801Gln)

Gene: SPTAN1 (spectrin alpha, non-erythrocytic 1; plus strand). Cytogenetic location: 9q34.11.
Variant type: single nucleotide variant.
Coding change: c.2402G>A on transcript NM_001130438.3 (MANE Select); coding-DNA position 2402, G replaced by A.
Protein change: p.Arg801Gln; replaces arginine 801 with glutamine.
Molecular consequence: missense variant.
Genome position (GRCh38, 1-based): chr9:128,584,490, G>A. VCF-style: chr9-128584490-G-A. GRCh37 (hg19) VCF-style: chr9-131346769-G-A.
Other names: p.R801Q:CGA>CAA; c.2402G>A, p.Arg801Gln (NM_001195532.2, NM_001363759.2, NM_001363765.2 and 1 more transcripts); short protein forms R801Q.
Identifiers: ClinVar variation 207326 (VCV000207326.15), dbSNP rs774283264, ClinGen allele CA318684.
Genomic context (GRCh38, chr9:128,584,490, plus strand): 5'-CCGATTCTCTGCGGTTGCAGCAGCTCTTCCGGGATGTTGAGGATGAGGAGACGTGGATTC[G>A]AGAGAAAGAGCCCATTGCCGCATCTACCAACAGAGGTCAGTCTGCTTCCCTCAGGTAGGA-3'
Protein context (NP_001123910.1, residues 791-811): RDVEDEETWI[Arg801Gln]EKEPIAASTN

ClinVar aggregate classification (germline): Conflicting classifications of pathogenicity. Review status: criteria provided, conflicting classifications (1 of 4 stars). 3 submissions from 3 submitters: Uncertain significance (2); Likely benign (1). Last evaluated 2025-11-23.

Conditions:
Developmental and epileptic encephalopathy, 5 (DEE5). Identifiers: Orphanet 3451, MedGen C3150731, MONDO:0013277, OMIM 613477.
Early-infantile DEE. Also called: Ohtahara syndrome; Early infantile epileptic encephalopathy; Early infantile epileptic encephalopathy with suppression bursts. Identifiers: Orphanet 1934, MedGen C0393706, MONDO:0800491.

Allele frequency attached by ClinVar (database versions not stated): gnomAD exomes below 0.00001; ExAC 0.00001; TOPMed 0.00001.
gnomAD v4.1: 15 of 1,614,148 alleles (0.00093%); highest among the groups gnomAD compares: Non-Finnish European, 0.0012%; no homozygotes.

Submissions (3):

Labcorp Genetics (formerly Invitae), Labcorp
Classification: Uncertain significance for Early-infantile DEE. Last evaluated: 2025-11-23. Review status: criteria provided, single submitter. Criteria: Invitae Variant Classification Sherloc (09022015). Collection method: clinical testing. Allele origin: germline.
Comment: This sequence change replaces arginine, which is basic and polar, with glutamine, which is neutral and polar, at codon 801 of the SPTAN1 protein (p.Arg801Gln). This variant is present in population databases (rs774283264, gnomAD 0.0009%). This variant has not been reported in the literature in individuals affected with SPTAN1-related conditions. ClinVar contains an entry for this variant (Variation ID: 207326). Invitae Evidence Modeling of protein sequence and biophysical properties (such as structural, functional, and spatial information, amino acid conservation, physicochemical variation, residue mobility, and thermodynamic stability) has been performed for this missense variant. However, the output from this modeling did not meet the statistical confidence thresholds required to predict the impact of this variant on SPTAN1 protein function. In summary, the available evidence is currently insufficient to determine the role of this variant in disease. Therefore, it has been classified as a Variant of Uncertain Significance.

Genome-Nilou Lab
Classification: Uncertain significance for Developmental and epileptic encephalopathy, 5. Last evaluated: 2021-07-15. Review status: criteria provided, single submitter. Criteria: ACMG Guidelines, 2015. Collection method: clinical testing. Allele origin: germline. Affected: no.

GeneDx
Classification: Likely benign. Last evaluated: 2020-11-12. Review status: criteria provided, single submitter. Criteria: GeneDx Variant Classification Process June 2021. Collection method: clinical testing. Allele origin: germline. Affected: yes.
Comment: In silico analysis supports that this missense variant does not alter protein structure/function; Has not been previously published as pathogenic or benign to our knowledge